The following is an entry in ClinVar:

NM_020719.3(PRR12):c.4915A>C (p.Lys1639Gln)

Gene: PRR12 (proline rich 12; plus strand). Cytogenetic location: 19q13.33.
Variant type: single nucleotide variant.
Coding change: c.4915A>C on transcript NM_020719.3 (MANE Select); coding-DNA position 4915, A replaced by C.
Protein change: p.Lys1639Gln; replaces lysine 1639 with glutamine.
Molecular consequence: missense variant.
Genome position (GRCh38, 1-based): chr19:49,614,900, A>C. VCF-style: chr19-49614900-A-C. GRCh37 (hg19) VCF-style: chr19-50118157-A-C.
Other names: short protein forms K1639Q.
Identifiers: ClinVar variation 3384565 (VCV003384565.1).

ClinVar aggregate classification (germline): Uncertain significance (1 of 4 stars; one submission).

Submission:

GeneDx
Classification: Uncertain significance. Last evaluated: 2024-06-03. Review status: criteria provided, single submitter. Criteria: GeneDx Variant Classification Process June 2021. Collection method: clinical testing. Allele origin: germline. Affected: yes.
Comment: Not observed at significant frequency in large population cohorts (gnomAD); In silico analysis supports that this missense variant has a deleterious effect on protein structure/function; Has not been previously published as pathogenic or benign to our knowledge